The following is an entry in ClinVar:

ClinVar aggregate classification (germline): Likely benign (1 of 4 stars; one submission).

gnomAD v4.1: 24 of 1,614,146 alleles (0.0015%); highest among the groups gnomAD compares: Admixed American, 0.01%; no homozygotes.

Submission:

CeGaT Center for Human Genetics Tuebingen
Classification: Likely benign. Last evaluated: 2025-11-01. Review status: criteria provided, single submitter. Criteria: CeGaT Center For Human Genetics Tuebingen Variant Classification Criteria Version 2. Collection method: clinical testing. Allele origin: germline. Affected: yes. Observed: 2 variant alleles.
Comment: KCNB2: BP4, BP7

NM_004770.3(KCNB2):c.1374C>T (p.Phe458=)

Gene: KCNB2 (potassium voltage-gated channel subfamily B member 2; plus strand). Cytogenetic location: 8q21.11.
Variant type: single nucleotide variant.
Coding change: c.1374C>T on transcript NM_004770.3 (MANE Select); coding-DNA position 1374, C replaced by T.
Protein change: p.Phe458=; no amino-acid change (phenylalanine 458 retained).
Molecular consequence: synonymous variant.
Genome position (GRCh38, 1-based): chr8:72,936,729, C>T. VCF-style: chr8-72936729-C-T. GRCh37 (hg19) VCF-style: chr8-73848964-C-T.
Identifiers: ClinVar variation 3771580 (VCV003771580.13).
Genomic context (GRCh38, chr8:72,936,729, plus strand): 5'-GGCTCTTGAGCGGGCCAAAAGGAACGGAAGCATCGTTTCTATGAACTTAAAAGATGCCTT[C>T]GCTCGAAGTATGGAACTGATAGATGTGGCTGTTGAGAAGGCCGGAGAGTCCGCCAACACA-3'
Protein context (NP_004761.2, residues 448-468): SIVSMNLKDA[Phe458=]ARSMELIDVA